The following is an entry in ClinVar:

NM_018136.5(ASPM):c.2026+2C>G

Gene: ASPM (assembly factor for spindle microtubules; minus strand). Cytogenetic location: 1q31.3.
Variant type: single nucleotide variant.
Coding change: c.2026+2C>G on transcript NM_018136.5 (MANE Select); the canonical splice donor site of the intron after coding-DNA position 2026, C replaced by G.
Molecular consequence: splice donor variant.
Genome position (GRCh38, 1-based): chr1:197,139,765, G>C on the plus strand (C>G on the coding strand, the complement: ASPM is on the minus strand). VCF-style: chr1-197139765-G-C. GRCh37 (hg19) VCF-style: chr1-197108895-G-C.
Other names: c.2026+2C>G (NM_001206846.2).
Identifiers: ClinVar variation 2632013 (VCV002632013.1), dbSNP rs757252885, ClinGen allele CA1310592.

ClinVar aggregate classification (germline): Pathogenic (1 of 4 stars; one submission).

Conditions:
ASPM-related disorder. Also called: ASPM-related condition.

Allele frequency attached by ClinVar (database versions not stated): TOPMed below 0.00001; ExAC 0.00001.
gnomAD v4.1: 4 of 1,573,972 alleles (0.00025%); highest among the groups gnomAD compares: South Asian, 0.0011%; no homozygotes.

Submission:

PreventionGenetics, part of Exact Sciences
Classification: Pathogenic for ASPM-related condition. Last evaluated: 2023-07-18. Review status: criteria provided, single submitter. Criteria: ACMG Guidelines, 2015. Collection method: clinical testing. Allele origin: germline.
Comment: The ASPM c.2026+2C>G variant is predicted to interfere with splicing. To our knowledge, this variant has not been reported in the literature. This variant is reported in 0.0033% of alleles in individuals of South Asian descent in gnomAD. Variants that disrupt the consensus splice donor site in ASPM are expected to be pathogenic. This variant is interpreted as pathogenic.